The following is an entry in ClinVar:

ClinVar aggregate classification (germline): Benign/Likely benign. Review status: criteria provided, multiple submitters, no conflicts (2 of 4 stars). 6 submissions from 6 submitters: Benign (1); Likely benign (5). Last evaluated 2026-08-14.

Conditions:
FH-related disorder. Also called: FH-related disorders; FH-related condition.
Hereditary cancer-predisposing syndrome. Also called: Hereditary Cancer Syndrome; Tumor predisposition; Hereditary neoplastic syndrome; Neoplastic Syndromes, Hereditary. Identifiers: Orphanet 140162, MedGen C0027672, MeSH D009386, MONDO:0015356.
Hereditary leiomyomatosis and renal cell cancer. Also called: Multiple cutaneous leiomyomas; Reed syndrome; Multiple cutaneous and uterine leiomyomatosis; Cutaneous leiomyomata with uterine leiomyomata; Leiomyoma, hereditary multiple, of skin; Multiple cutaneous and uterine leiomyomata. Identifiers: Orphanet 523, MedGen C1708350, MONDO:0007888, OMIM 150800, HP:0007437. Disease mechanism: loss of function.

Allele frequency attached by ClinVar (database versions not stated): ExAC 0.00002; gnomAD exomes 0.00002 and 0.00007; TOPMed 0.00003; gnomAD 0.00005; ESP Exome Variant Server 0.00008.
gnomAD v4.1: 116 of 1,613,680 alleles (0.0072%); highest among the groups gnomAD compares: Non-Finnish European, 0.0086%; no homozygotes.

Submissions (6):

PreventionGenetics, part of Exact Sciences
Classification: Likely benign for FH-related condition. Last evaluated: 2026-08-14. Review status: criteria provided, single submitter. Criteria: ACMG Guidelines, 2015. Collection method: clinical testing. Allele origin: germline.
Comment: This variant is classified as likely benign based on ACMG/AMP sequence variant interpretation guidelines (Richards et al. 2015 PMID: 25741868, with internal and published modifications).

Labcorp Genetics (formerly Invitae), Labcorp
Classification: Likely benign. Last evaluated: 2026-01-23. Review status: criteria provided, single submitter. Criteria: Invitae Variant Classification Sherloc (09022015). Collection method: clinical testing. Allele origin: germline.

Center for Genomic Medicine, Rigshospitalet, Copenhagen University Hospital
Classification: Likely benign. Last evaluated: 2025-03-04. Review status: criteria provided, single submitter. Criteria: ACMG Guidelines, 2015. Collection method: clinical testing. Allele origin: germline.

Myriad Genetics, Inc.
Classification: Benign for Hereditary leiomyomatosis and renal cell cancer. Last evaluated: 2024-10-18. Review status: criteria provided, single submitter. Criteria: Myriad Autosomal Dominant, Autosomal Recessive and X-Linked Classification Criteria (2023). Collection method: clinical testing. Allele origin: unknown.
Comment: This variant is considered benign. This variant is a silent/synonymous amino acid change and it is not expected to impact splicing.

GeneDx
Classification: Likely benign. Last evaluated: 2019-12-02. Review status: criteria provided, single submitter. Criteria: GeneDx Variant Classification Process June 2021. Collection method: clinical testing. Allele origin: germline. Affected: yes.

Ambry Genetics
Classification: Likely benign for Hereditary cancer-predisposing syndrome. Last evaluated: 2016-11-08. Review status: criteria provided, single submitter. Criteria: Ambry Variant Classification Scheme 2023. Collection method: clinical testing. Allele origin: germline.

NM_000143.4(FH):c.399T>C (p.Asn133=)

Gene: FH (fumarate hydratase; minus strand). Cytogenetic location: 1q43.
Variant type: single nucleotide variant.
Coding change: c.399T>C on transcript NM_000143.4 (MANE Select); coding-DNA position 399, T replaced by C.
Protein change: p.Asn133=; no amino-acid change (asparagine 133 retained).
Molecular consequence: synonymous variant.
Genome position (GRCh38, 1-based): chr1:241,512,123, A>G on the plus strand (T>C on the coding strand, the complement: FH is on the minus strand). VCF-style: chr1-241512123-A-G. GRCh37 (hg19) VCF-style: chr1-241675423-A-G.
Identifiers: ClinVar variation 413617 (VCV000413617.26), dbSNP rs376056309, ClinGen allele CA1478686.